The following is an entry in ClinVar:

NM_007294.4(BRCA1):c.4812A>G (p.Gln1604=)

Gene: BRCA1 (BRCA1 DNA repair associated; minus strand). Cytogenetic location: 17q21.31.
Variant type: single nucleotide variant.
Coding change: c.4812A>G on transcript NM_007294.4 (MANE Select); coding-DNA position 4812, A replaced by G.
Protein change: p.Gln1604=; no amino-acid change (glutamine 1604 retained).
Molecular consequence: synonymous variant. On other transcripts: intron variant (1).
Genome position (GRCh38, 1-based): chr17:43,071,102, T>C on the plus strand (A>G on the coding strand, the complement: BRCA1 is on the minus strand). VCF-style: chr17-43071102-T-C. GRCh37 (hg19) VCF-style: chr17-41223119-T-C.
Other names: Q1604Q; p.Q1604Q:CAA>CAG; NP_009225.1:p.Gln1604=; p.Gln1604=; c.4476A>G, p.Gln1492= (NM_001407953.1, NM_001407954.1, NM_001407955.1 and 3 more transcripts); c.4473A>G, p.Gln1491= (NM_001407956.1, NM_001407957.1, NM_001407958.1); c.4431A>G, p.Gln1477= (NM_001407959.1); c.4428A>G, p.Gln1476= (NM_001407960.1, NM_001407962.1); and 75 more.
Identifiers: ClinVar variation 55293 (VCV000055293.109), dbSNP rs28897693, ClinGen allele CA003033.

ClinVar aggregate classification (germline): Benign. Review status: reviewed by expert panel (3 of 4 stars). 30 submissions from 30 submitters: Benign (1). 29 of the submissions do not count toward it. Last evaluated 2017-06-29.

Conditions:
Hereditary cancer-predisposing syndrome. Also called: Hereditary Cancer Syndrome; Tumor predisposition; Neoplastic Syndromes, Hereditary; Hereditary neoplastic syndrome. Identifiers: Orphanet 140162, MedGen C0027672, MeSH D009386, MONDO:0015356.
Breast and/or ovarian cancer. Identifiers: MedGen CN221562.
Hereditary breast ovarian cancer syndrome. Also called: Breast and ovarian cancer; BRCA1- and BRCA2-Associated Hereditary Breast and Ovarian Cancer; Hereditary breast and ovarian cancer; Hereditary breast and ovarian cancer syndrome (HBOC); Hereditary breast and ovarian cancer syndrome; Hereditary breast and/or ovarian cancer syndrome. Identifiers: Orphanet 145, MedGen C0677776, MeSH D061325, MONDO:0003582. Disease mechanism: loss of function.
Breast-ovarian cancer, familial, susceptibility to, 1 (BROVCA1). Also called: BRCA1 Hereditary Breast and Ovarian Cancer; OVARIAN CANCER, SUSCEPTIBILITY TO. Identifiers: Orphanet 145, MedGen C2676676, MONDO:0011450, OMIM 604370. Disease mechanism: loss of function.
Familial cancer of breast. Also called: BREAST CANCER, FAMILIAL; hereditary breast carcinoma; Hereditary breast cancer. Identifiers: Orphanet 227535, MedGen C0346153, MONDO:0016419, OMIM 114480. Disease mechanism: loss of function.

Allele frequency attached by ClinVar (database versions not stated): TOPMed 0.00057; gnomAD 0.00064 and 0.00075; gnomAD exomes 0.00110 and 0.00114; ExAC 0.00128; ESP Exome Variant Server 0.00138; 1000 Genomes Project 0.00140; 1000 Genomes Project 30x 0.00141.
gnomAD v4.1: 1,766 of 1,614,140 alleles (0.11%); highest among the groups gnomAD compares: South Asian, 0.39%; 16 homozygotes.

Submissions 1 to 20 of 30:

Evidence-based Network for the Interpretation of Germline Mutant Alleles (ENIGMA)
Classification: Benign for Breast-ovarian cancer, familial, susceptibility to, 1. Last evaluated: 2017-06-29. Review status: reviewed by expert panel. Criteria: ENIGMA BRCA1/2 Classification Criteria (2017-06-29). Collection method: curation. Allele origin: germline.
Comment: Synonymous substitution variant, with low bioinformatic likelihood to alter mRNA splicing (splicing prior 0.02) and frequency 0.0043 (South Asian), derived from ExAC (2014-12-17).

CeGaT Center for Human Genetics Tuebingen
Classification: Likely benign. Last evaluated: 2026-06-01. Review status: criteria provided, single submitter. Criteria: CeGaT Center For Human Genetics Tuebingen Variant Classification Criteria Version 2. Collection method: clinical testing. Allele origin: germline. Affected: yes. Observed: 9 variant alleles. Not counted in ClinVar's aggregate classification.
Comment: BRCA1: BP4, BP7, BS2

Labcorp Genetics (formerly Invitae), Labcorp
Classification: Benign for Hereditary breast ovarian cancer syndrome. Last evaluated: 2026-01-28. Review status: criteria provided, single submitter. Criteria: Invitae Variant Classification Sherloc (09022015). Collection method: clinical testing. Allele origin: germline. Not counted in ClinVar's aggregate classification.

Center for Genomic Medicine, Rigshospitalet, Copenhagen University Hospital
Classification: Benign. Last evaluated: 2025-03-04. Review status: criteria provided, single submitter. Criteria: ACMG Guidelines, 2015. Collection method: clinical testing. Allele origin: germline. Not counted in ClinVar's aggregate classification.

KCCC/NGS Laboratory, Kuwait Cancer Control Center
Classification: Benign for Breast-ovarian cancer, familial, susceptibility to, 1. Last evaluated: 2025-02-01. Review status: criteria provided, single submitter. Criteria: ACMG Guidelines, 2015. Collection method: clinical testing. Allele origin: germline. Affected: no. Not counted in ClinVar's aggregate classification.

ARUP Laboratories, Molecular Genetics and Genomics, ARUP Laboratories
Classification: Benign. Last evaluated: 2025-01-12. Review status: criteria provided, single submitter. Criteria: ARUP Molecular Germline Variant Investigation Process 2024. Collection method: clinical testing. Allele origin: germline. Not counted in ClinVar's aggregate classification.

Blueprint Genetics
Classification: Likely benign. Last evaluated: 2024-10-29. Review status: criteria provided, single submitter. Criteria: ACMG Guidelines, 2015. Collection method: clinical testing. Allele origin: germline. Not counted in ClinVar's aggregate classification.

Mayo Clinic Laboratories, Mayo Clinic
Classification: Benign. Last evaluated: 2024-02-26. Review status: criteria provided, single submitter. Criteria: ACMG Guidelines, 2015. Collection method: clinical testing. Allele origin: germline. Observed: 7 variant alleles. Not counted in ClinVar's aggregate classification.
Comment: BA1, BP7

CHEO Genetics Diagnostic Laboratory, Children's Hospital of Eastern Ontario
Classification: Likely benign for Breast and/or ovarian cancer. Last evaluated: 2023-04-13. Review status: criteria provided, single submitter. Criteria: ACMG Guidelines, 2015. Collection method: clinical testing. Allele origin: germline. Not counted in ClinVar's aggregate classification.

National Health Laboratory Service, Universitas Academic Hospital and University of the Free State
Classification: Benign for Hereditary breast ovarian cancer syndrome. Last evaluated: 2021-11-16. Review status: criteria provided, single submitter. Criteria: ACMG Guidelines, 2015. Collection method: clinical testing. Allele origin: germline. Affected: yes. Observed: 5 variant alleles. Not counted in ClinVar's aggregate classification.

Genetics and Molecular Pathology, SA Pathology
Classification: Benign for Hereditary breast ovarian cancer syndrome. Last evaluated: 2020-11-24. Review status: criteria provided, single submitter. Criteria: ACMG Guidelines, 2015. Collection method: clinical testing. Allele origin: germline. Affected: yes. Not counted in ClinVar's aggregate classification.
Comment: The BRCA1 c.4812A>G variant is classified as Benign (BS1, BP6_Strong, BP4) This BRCA1 c.4812A>G variant is synonymous (silent). The frequency of this variant in population databases is higher than expected for this disorder (BS1). Multiple lines of computational evidence suggest this variant has no impact on the gene or gene product (BP4). The variant has been reported in dbSNP (rs28897693) and has been reported as Benign by other diagnostic laboratories (ClinVar Variation ID: 55293). It has not been reported in HGMD. literature: Seen in 7 patients with breast cancer (Borg et al., 2010 PMID: 20104584).

Sema4
Classification: Benign for Hereditary cancer-predisposing syndrome. Last evaluated: 2020-10-28. Review status: criteria provided, single submitter. Criteria: Sema4 Curation Guidelines. Collection method: curation. Allele origin: germline. Not counted in ClinVar's aggregate classification.

Genetic Services Laboratory, University of Chicago
Classification: Likely benign. Last evaluated: 2019-10-14. Review status: criteria provided, single submitter. Criteria: ACMG Guidelines, 2015. Collection method: clinical testing. Allele origin: germline. Affected: no. Not counted in ClinVar's aggregate classification.

PreventionGenetics, part of Exact Sciences
Classification: Likely benign. Last evaluated: 2017-05-15. Review status: criteria provided, single submitter. Criteria: ACMG Guidelines, 2015. Collection method: clinical testing. Allele origin: germline. Not counted in ClinVar's aggregate classification.

Illumina Laboratory Services, Illumina
Classification: Uncertain significance for Breast-ovarian cancer, familial, susceptibility to, 1. Last evaluated: 2017-04-28. Review status: criteria provided, single submitter. Criteria: ICSL Variant Classification Criteria 13 December 2019. Collection method: clinical testing. Allele origin: germline. Not counted in ClinVar's aggregate classification.
Comment: This variant was observed as part of a predisposition screen in an ostensibly healthy population. A literature search was performed for the gene, cDNA change, and amino acid change (where applicable). Publications were found based on this search. However, the evidence from the literature, in combination with allele frequency data from public databases where available, was not sufficient to rule this variant in or out of causing disease. Therefore, this variant is classified as a variant of unknown significance.

Baylor Genetics
Classification: Benign for Familial cancer of breast. Last evaluated: 2017-02-23. Review status: criteria provided, single submitter. Criteria: ACMG Guidelines, 2015. Collection method: clinical testing. Allele origin: germline. Inheritance: Autosomal dominant inheritance. Affected: no. Not counted in ClinVar's aggregate classification.

Clinical Genetics DNA and cytogenetics Diagnostics Lab, Erasmus MC, Erasmus Medical Center
Classification: Benign for Breast-ovarian cancer, familial, susceptibility to, 1. Last evaluated: 2015-09-21. Review status: criteria provided, single submitter. Criteria: ACGS Guidelines, 2013. Collection method: clinical testing. Allele origin: germline. Affected: yes. Study: VKGL Data-share Consensus. Not counted in ClinVar's aggregate classification.

Genome Diagnostics Laboratory, University Medical Center Utrecht
Classification: Likely benign for Breast-ovarian cancer, familial, susceptibility to, 1. Last evaluated: 2014-12-29. Review status: criteria provided, single submitter. Criteria: ACGS Guidelines, 2013. Collection method: clinical testing. Allele origin: germline. Affected: yes. Study: VKGL Data-share Consensus. Not counted in ClinVar's aggregate classification.

Ambry Genetics
Classification: Likely benign for Hereditary cancer-predisposing syndrome. Last evaluated: 2014-07-03. Review status: criteria provided, single submitter. Criteria: Ambry Variant Classification Scheme 2023. Collection method: clinical testing. Allele origin: germline. Not counted in ClinVar's aggregate classification.

GeneDx
Classification: Benign. Last evaluated: 2013-10-18. Review status: criteria provided, single submitter. Criteria: GeneDx Variant Classification (06012015). Collection method: clinical testing. Allele origin: germline. Affected: yes. Not counted in ClinVar's aggregate classification.
Comment: This variant is considered likely benign or benign based on one or more of the following criteria: it is a conservative change, it occurs at a poorly conserved position in the protein, it is predicted to be benign by multiple in silico algorithms, and/or has population frequency not consistent with disease.